The following is an entry in ClinVar:

NM_002878.4(RAD51D):c.185_200del (p.Ser62fs)

Genes: RAD51L3-RFFL (RAD51L3-RFFL readthrough; minus strand), RAD51D (RAD51 paralog D; minus strand). Cytogenetic location: 17q12.
Variant type: Deletion.
Coding change: c.185_200del on transcript NM_002878.4 (MANE Select); coding-DNA positions 185 to 200, 16 bases deleted (CGGCTTTCCCCGTGAA).
Protein change: p.Ser62fs; shifts the reading frame from serine 62.
Molecular consequence: frameshift variant. On other transcripts: intron variant (2).
Genome position (GRCh38, 1-based): chr17:35,118,564-35,118,579, TTCACGGGGAAAGCCG deleted on the plus strand (CGGCTTTCCCCGTGAA on the coding strand, the reverse complement: RAD51D is on the minus strand). VCF-style (leftmost placement, unchanged base first): chr17-35118563-ATTCACGGGGAAAGCCG-A. GRCh37 (hg19) VCF-style: chr17-33445582-ATTCACGGGGAAAGCCG-A.
Other names: c.144+532_144+547del (NM_133629.3, NM_001142571.2); c.185_200del16 (NM_002878.3); short protein forms S62fs.
Identifiers: ClinVar variation 185447 (VCV000185447.10), dbSNP rs786202179, ClinGen allele CA191987.

ClinVar aggregate classification (germline): Pathogenic. Review status: criteria provided, multiple submitters, no conflicts (2 of 4 stars). 2 submissions from 2 submitters: Pathogenic (2). Last evaluated 2022-08-04.

Conditions:
Hereditary cancer-predisposing syndrome. Also called: Hereditary neoplastic syndrome; Neoplastic Syndromes, Hereditary; Tumor predisposition; Hereditary Cancer Syndrome. Identifiers: Orphanet 140162, MedGen C0027672, MeSH D009386, MONDO:0015356.
Breast-ovarian cancer, familial, susceptibility to, 4. Identifiers: Orphanet 145, MedGen C3280345, MONDO:0013669, OMIM 614291.

Submissions (2):

Labcorp Genetics (formerly Invitae), Labcorp
Classification: Pathogenic for Breast-ovarian cancer, familial, susceptibility to, 4. Last evaluated: 2022-08-04. Review status: criteria provided, single submitter. Criteria: Invitae Variant Classification Sherloc (09022015). Collection method: clinical testing. Allele origin: germline.
Comment: For these reasons, this variant has been classified as Pathogenic. RNA analysis performed to evaluate the impact of this premature translational stop signal on mRNA splicing indicates it does not significantly alter splicing (Invitae). ClinVar contains an entry for this variant (Variation ID: 185447). This variant has not been reported in the literature in individuals affected with RAD51D-related conditions. This variant is not present in population databases (gnomAD no frequency). This sequence change creates a premature translational stop signal (p.Ser62Leufs*9) in the RAD51D gene. It is expected to result in an absent or disrupted protein product. Loss-of-function variants in RAD51D are known to be pathogenic (PMID: 21822267).

Ambry Genetics
Classification: Pathogenic for Hereditary cancer-predisposing syndrome. Last evaluated: 2014-07-03. Review status: criteria provided, single submitter. Criteria: Ambry Variant Classification Scheme 2023. Collection method: clinical testing. Allele origin: germline.
Comment: The c.185_200del16 pathogenic mutation, located in coding exon 3 of the RAD51D gene, results from a deletion of 16 nucleotides at positions 185 to 200, causing a translational frameshift with a predicted alternate stop codon. Since frameshifts are typically deleterious in nature, this alteration is interpreted as a disease-causing mutation (ACMG Recommendations for Standards for Interpretation and Reporting of Sequence Variations. Revision 2007. Genet Med. 2008;10:294).

Literature cited by the submitters: PubMed 21822267 (cited by Labcorp Genetics (formerly Invitae), Labcorp).